The following is an entry in ClinVar:

NM_001378120.1(MBD5):c.4550T>C (p.Val1517Ala)

Gene: MBD5 (methyl-CpG binding domain protein 5; plus strand). Cytogenetic location: 2q23.1.
Variant type: single nucleotide variant.
Coding change: c.4550T>C on transcript NM_001378120.1 (MANE Select); coding-DNA position 4550, T replaced by C.
Protein change: p.Val1517Ala; replaces valine 1517 with alanine.
Molecular consequence: missense variant.
Genome position (GRCh38, 1-based): chr2:148,490,182, T>C. VCF-style: chr2-148490182-T-C. GRCh37 (hg19) VCF-style: chr2-149247751-T-C.
Other names: c.4550T>C, p.Val1517Ala (NM_001438854.1, NM_001438856.1, NM_001438857.1 and 1 more transcripts); c.3851T>C, p.Val1284Ala (NM_001438855.1, NM_001438859.1, NM_001438860.1 and 3 more transcripts); short protein forms V1284A, V1517A.
Identifiers: ClinVar variation 4685045 (VCV004685045.1).

ClinVar aggregate classification (germline): Uncertain significance (1 of 4 stars; one submission).

gnomAD v4.1: 2 of 1,613,906 alleles (0.00012%); highest among the groups gnomAD compares: East Asian, 0.0022%; no homozygotes.

Submission:

GeneDx
Classification: Uncertain significance. Last evaluated: 2025-07-11. Review status: criteria provided, single submitter. Criteria: GeneDx Variant Classification Process June 2021. Collection method: clinical testing. Allele origin: germline. Affected: yes.
Comment: Not observed at significant frequency in large population cohorts (gnomAD); In silico analysis suggests that this missense variant does not alter protein structure/function; Has not been previously published as pathogenic or benign to our knowledge